The following is an entry in ClinVar:

NM_021728.4(OTX2):c.658_659delinsG (p.Leu220fs)

Gene: OTX2 (orthodenticle homeobox 2; minus strand). Cytogenetic location: 14q22.3.
Variant type: Indel.
Coding change: c.658_659delinsG on transcript NM_021728.4 (MANE Select); coding-DNA positions 658 to 659, CT replaced by G.
Protein change: p.Leu220fs; shifts the reading frame from leucine 220.
Molecular consequence: frameshift variant. On other transcripts: non-coding transcript variant (2).
Genome position (GRCh38, 1-based): chr14:56,801,970-56,801,971, AG replaced by C on the plus strand (CT replaced by G on the coding strand, the reverse complement: OTX2 is on the minus strand). VCF-style: chr14-56801970-AG-C. GRCh37 (hg19) VCF-style: chr14-57268688-AG-C.
Other names: c.634_635delinsG, p.Leu212fs (NM_001270523.2, NM_001270524.2, NM_172337.3); c.658_659delinsG, p.Leu220fs (NM_001270525.2); short protein forms L212fs, L220fs.
Identifiers: ClinVar variation 581417 (VCV000581417.6), dbSNP rs1566622642, ClinGen allele CA891844500.

ClinVar aggregate classification (germline): Pathogenic (1 of 4 stars; one submission).

Conditions:
Anophthalmia-microphthalmia syndrome. Also called: Anophthalmia - microphthalmia; Anophthalmia/Microphthalmia. Identifiers: Orphanet 98555, MedGen C5680330, MONDO:0020147.

Submission:

Labcorp Genetics (formerly Invitae), Labcorp
Classification: Pathogenic for Anophthalmia-microphthalmia syndrome. Last evaluated: 2023-02-14. Review status: criteria provided, single submitter. Criteria: Invitae Variant Classification Sherloc (09022015). Collection method: clinical testing. Allele origin: germline.
Comment: This sequence change results in a frameshift in the OTX2 gene (p.Leu212Valfs*82). While this is not anticipated to result in nonsense mediated decay, it is expected to disrupt the last 78 amino acid(s) of the OTX2 protein and extend the protein by 4 additional amino acid residues. This variant is not present in population databases (gnomAD no frequency). This variant has not been reported in the literature in individuals affected with OTX2-related conditions. This variant disrupts a region of the OTX2 protein in which other variant(s) (p.Ala236Ser) have been determined to be pathogenic (Invitae). This suggests that this is a clinically significant region of the protein, and that variants that disrupt it are likely to be disease-causing. For these reasons, this variant has been classified as Pathogenic.